The following is an entry in ClinVar:

ClinVar aggregate classification (germline): Benign. Review status: criteria provided, multiple submitters, no conflicts (2 of 4 stars). 6 submissions from 6 submitters: Benign (6). Last evaluated 2026-02-04.

Conditions:
Spermatogenic failure 18. Identifiers: MedGen C4539783, MONDO:0054615, OMIM 617576.
Ciliary dyskinesia, primary, 37 (CILD37). Also called: CILIARY DYSKINESIA, PRIMARY, 37, WITH OR WITHOUT SITUS INVERSUS. Identifiers: MedGen C4539798, MONDO:0033204, OMIM 617577.

Allele frequency attached by ClinVar (database versions not stated): gnomAD exomes 0.13881; 1000 Genomes Project 0.16114; 1000 Genomes Project 30x 0.16474; gnomAD 0.18271 and 0.18733; ESP Exome Variant Server 0.18507; ExAC 0.18817; TOPMed 0.19048.
gnomAD v4.1: 271,609 of 1,579,880 alleles (17%); highest among the groups gnomAD compares: African/African-American, 26%; 24,980 homozygotes.

Submissions (6):

Labcorp Genetics (formerly Invitae), Labcorp
Classification: Benign for Ciliary dyskinesia, primary, 37; Spermatogenic failure 18. Last evaluated: 2026-02-04. Review status: criteria provided, single submitter. Criteria: Invitae Variant Classification Sherloc (09022015). Collection method: clinical testing. Allele origin: germline.

Blueprint Genetics
Classification: Benign. Last evaluated: 2024-11-26. Review status: criteria provided, single submitter. Criteria: ACMG Guidelines, 2015. Collection method: clinical testing. Allele origin: germline.

Mayo Clinic Laboratories, Mayo Clinic
Classification: Benign. Last evaluated: 2022-04-26. Review status: criteria provided, single submitter. Criteria: ACMG Guidelines, 2015. Collection method: clinical testing. Allele origin: germline. Observed: 63 variant alleles.

GeneDx
Classification: Benign. Last evaluated: 2018-07-05. Review status: criteria provided, single submitter. Criteria: GeneDx Variant Classification Process June 2021. Collection method: clinical testing. Allele origin: germline. Affected: yes.

Laboratory for Molecular Medicine, Mass General Brigham Personalized Medicine
Classification: Benign. Last evaluated: 2016-03-29. Review status: criteria provided, single submitter. Criteria: LMM Criteria. Collection method: clinical testing. Allele origin: germline.
Comment: Variant identified in a genome or exome case(s) and assessed due to predicted null impact of the variant or pathogenic assertions in the literature or databases. Disclaimer: This variant has not undergone full assessment. The following are preliminary notes: Frequency

Breakthrough Genomics
Classification: Benign. Review status: criteria provided, single submitter. Criteria: ACMG Guidelines, 2015. Collection method: not provided. Allele origin: germline. Inheritance: Autosomal recessive inheritance. Affected: yes.

NM_015512.5(DNAH1):c.3964A>C (p.Arg1322=)

Gene: DNAH1 (dynein axonemal heavy chain 1; plus strand). Cytogenetic location: 3p21.1.
Variant type: single nucleotide variant.
Coding change: c.3964A>C on transcript NM_015512.5 (MANE Select); coding-DNA position 3964, A replaced by C.
Protein change: p.Arg1322=; no amino-acid change (arginine 1322 retained).
Molecular consequence: synonymous variant.
Genome position (GRCh38, 1-based): chr3:52,357,719, A>C. VCF-style: chr3-52357719-A-C. GRCh37 (hg19) VCF-style: chr3-52391735-A-C.
Other names: p.Arg1322=.
Identifiers: ClinVar variation 402598 (VCV000402598.17), dbSNP rs11714402, ClinGen allele CA2433744.